The following is an entry in ClinVar:

NM_000535.7(PMS2):c.689T>A (p.Val230Glu)

Gene: PMS2 (PMS1 homolog 2, mismatch repair system component; minus strand). Cytogenetic location: 7p22.1.
Variant type: single nucleotide variant.
Coding change: c.689T>A on transcript NM_000535.7 (MANE Select); coding-DNA position 689, T replaced by A.
Protein change: p.Val230Glu; replaces valine 230 with glutamic acid.
Molecular consequence: missense variant. On other transcripts: 5 prime UTR variant (2), non-coding transcript variant (1), intron variant (1).
Genome position (GRCh38, 1-based): chr7:5,999,124, A>T on the plus strand (T>A on the coding strand, the complement: PMS2 is on the minus strand). VCF-style: chr7-5999124-A-T. GRCh37 (hg19) VCF-style: chr7-6038755-A-T.
Other names: c.284T>A, p.Val95Glu (NM_001322003.2, NM_001322004.2, NM_001322005.2 and 2 more transcripts); c.689T>A, p.Val230Glu (NM_001322006.2, NM_001322014.2); c.371T>A, p.Val124Glu (NM_001322007.2, NM_001322008.2); c.-245T>A (NM_001322011.2, NM_001322012.2); c.380T>A, p.Val127Glu (NM_001322015.2); c.133-1701T>A (NM_001322013.2); short protein forms V124E, V95E, V127E, V230E.
Identifiers: ClinVar variation 659762 (VCV000659762.8), dbSNP rs1583385769, ClinGen allele CA366743842.

ClinVar aggregate classification (germline): Uncertain significance (1 of 4 stars; one submission).

Conditions:
Hereditary nonpolyposis colorectal neoplasms. Identifiers: MedGen C0009405, MeSH D003123.

gnomAD v4.1: 1 of 1,614,076 alleles (0.000062%); no homozygotes.

Submission:

Labcorp Genetics (formerly Invitae), Labcorp
Classification: Uncertain significance for Hereditary nonpolyposis colorectal neoplasms. Last evaluated: 2018-12-27. Review status: criteria provided, single submitter. Criteria: Invitae Variant Classification Sherloc (09022015). Collection method: clinical testing. Allele origin: germline.
Comment: This sequence change replaces valine with glutamic acid at codon 230 of the PMS2 protein (p.Val230Glu). The valine residue is moderately conserved and there is a moderate physicochemical difference between valine and glutamic acid. This variant is not present in population databases (ExAC no frequency). This variant has not been reported in the literature in individuals with PMS2-related conditions. In summary, the available evidence is currently insufficient to determine the role of this variant in disease. Therefore, it has been classified as a Variant of Uncertain Significance. Algorithms developed to predict the effect of missense changes on protein structure and function (SIFT, PolyPhen-2, Align-GVGD) all suggest that this variant is likely to be disruptive, but these predictions have not been confirmed by published functional studies and their clinical significance is uncertain.